The following is an entry in ClinVar:

ClinVar aggregate classification (germline): Uncertain significance. Review status: criteria provided, multiple submitters, no conflicts (2 of 4 stars). 2 submissions from 2 submitters: Uncertain significance (2). Last evaluated 2026-03-24.

Conditions:
Hereditary cancer-predisposing syndrome. Also called: Neoplastic Syndromes, Hereditary; Tumor predisposition; Hereditary Cancer Syndrome; Hereditary neoplastic syndrome. Identifiers: Orphanet 140162, MedGen C0027672, MeSH D009386, MONDO:0015356.
Carney complex, type 1 (CNC1). Also called: CARNEY MYXOMA-ENDOCRINE COMPLEX; CARNEY COMPLEX, TYPE I. Identifiers: Orphanet 1359, MedGen C2607929, MONDO:0008057, OMIM 160980.

Submissions (2):

Ambry Genetics
Classification: Uncertain significance for Hereditary cancer-predisposing syndrome. Last evaluated: 2026-03-24. Review status: criteria provided, single submitter. Criteria: Ambry Variant Classification Scheme 2023. Collection method: clinical testing. Allele origin: germline.
Comment: The p.F376L variant (also known as c.1128T>G), located in coding exon 10 of the PRKAR1A gene, results from a T to G substitution at nucleotide position 1128. The phenylalanine at codon 376 is replaced by leucine, an amino acid with highly similar properties. This amino acid position is conserved. In addition, the in silico prediction for this alteration is inconclusive. Based on the available evidence, the clinical significance of this variant remains unclear.

Labcorp Genetics (formerly Invitae), Labcorp
Classification: Uncertain significance for Carney complex, type 1. Last evaluated: 2025-02-04. Review status: criteria provided, single submitter. Criteria: Invitae Variant Classification Sherloc (09022015). Collection method: clinical testing. Allele origin: germline.
Comment: This sequence change replaces phenylalanine, which is neutral and non-polar, with leucine, which is neutral and non-polar, at codon 376 of the PRKAR1A protein (p.Phe376Leu). This variant is not present in population databases (gnomAD no frequency). This variant has not been reported in the literature in individuals affected with PRKAR1A-related conditions. Invitae Evidence Modeling of protein sequence and biophysical properties (such as structural, functional, and spatial information, amino acid conservation, physicochemical variation, residue mobility, and thermodynamic stability) indicates that this missense variant is not expected to disrupt PRKAR1A protein function with a negative predictive value of 95%. In summary, the available evidence is currently insufficient to determine the role of this variant in disease. Therefore, it has been classified as a Variant of Uncertain Significance.

NM_002734.5(PRKAR1A):c.1128T>G (p.Phe376Leu)

Gene: PRKAR1A (protein kinase cAMP-dependent type I regulatory subunit alpha; plus strand). Cytogenetic location: 17q24.2.
Variant type: single nucleotide variant.
Coding change: c.1128T>G on transcript NM_002734.5 (MANE Select); coding-DNA position 1128, T replaced by G.
Protein change: p.Phe376Leu; replaces phenylalanine 376 with leucine.
Molecular consequence: missense variant. On other transcripts: intron variant (1).
Genome position (GRCh38, 1-based): chr17:68,530,431, T>G. VCF-style: chr17-68530431-T-G. GRCh37 (hg19) VCF-style: chr17-66526572-T-G.
Other names: c.1128T>G, p.Phe376Leu (NM_001276289.2, NM_001278433.2, NM_001369389.1 and 3 more transcripts); c.973+430T>G (NM_001276290.1); c.1128T>G (NM_002734.3); short protein forms F376L.
Identifiers: ClinVar variation 4709593 (VCV004709593.2).